The following is an entry in ClinVar:

NM_000070.3(CAPN3):c.735_741del (p.Ser246fs)

Gene: CAPN3 (calpain 3; plus strand). Cytogenetic location: 15q15.1.
Variant type: Deletion.
Coding change: c.735_741del on transcript NM_000070.3 (MANE Select); coding-DNA positions 735 to 741, 7 bases deleted (TAGTGAC; older notation c.735_741delTAGTGAC).
Protein change: p.Ser246fs; shifts the reading frame from serine 246.
Molecular consequence: frameshift variant.
Genome position (GRCh38, 1-based): chr15:42,389,030-42,389,036, TAGTGAC deleted; deleting any 7 consecutive bases within chr15:42,389,029-42,389,036 gives the same sequence; the c. name uses the placement nearest the transcript's 3' end. VCF-style (leftmost placement, unchanged base first): chr15-42389028-CCTAGTGA-C. GRCh37 (hg19) VCF-style: chr15-42681226-CCTAGTGA-C.
Other names: c.735_741del, p.Ser246fs (NM_024344.2, NM_173087.2); c.474_480delTAGTGAC, p.Ser159Cysfs (NM_212464.2); c.*428_*434delTAGTGAC (NM_212467.2); short protein forms S246fs.
Identifiers: ClinVar variation 2103985 (VCV002103985.4), dbSNP rs2548260454, ClinGen allele CA2580089539.

ClinVar aggregate classification (germline): Pathogenic (1 of 4 stars; one submission).

Conditions:
Autosomal recessive limb-girdle muscular dystrophy type 2A (LGMDR1). Also called: Muscular dystrophy, limb-girdle, type 2A, Amish; LEYDEN-MOEBIUS MUSCULAR DYSTROPHY; MUSCULAR DYSTROPHY, PELVOFEMORAL; Limb-girdle muscular dystrophy, type 2A; Calpainopathy. Identifiers: Orphanet 267, MedGen C1869123, MONDO:0009675, OMIM 253600. Disease mechanism: loss of function.

Submission:

Labcorp Genetics (formerly Invitae), Labcorp
Classification: Pathogenic for Autosomal recessive limb-girdle muscular dystrophy type 2A. Last evaluated: 2022-03-08. Review status: criteria provided, single submitter. Criteria: Invitae Variant Classification Sherloc (09022015). Collection method: clinical testing. Allele origin: germline.
Comment: This sequence change creates a premature translational stop signal (p.Ser246Cysfs*5) in the CAPN3 gene. It is expected to result in an absent or disrupted protein product. Loss-of-function variants in CAPN3 are known to be pathogenic (PMID: 10330340, 15689361). This variant is not present in population databases (gnomAD no frequency). This variant has not been reported in the literature in individuals affected with CAPN3-related conditions. For these reasons, this variant has been classified as Pathogenic.

Literature cited by the submitters: PubMed 10330340; PubMed 15689361.